The following is an entry in ClinVar:

NM_000070.3(CAPN3):c.1787A>G (p.Lys596Arg)

Gene: CAPN3 (calpain 3; plus strand). Cytogenetic location: 15q15.1.
Variant type: single nucleotide variant.
Coding change: c.1787A>G on transcript NM_000070.3 (MANE Select); coding-DNA position 1787, A replaced by G.
Protein change: p.Lys596Arg; replaces lysine 596 with arginine.
Molecular consequence: missense variant. On other transcripts: 5 prime UTR variant (1), intron variant (3).
Genome position (GRCh38, 1-based): chr15:42,405,930, A>G. VCF-style: chr15-42405930-A-G. GRCh37 (hg19) VCF-style: chr15-42698128-A-G.
Other names: c.251A>G, p.Lys84Arg (NM_173088.2); c.-95A>G (NM_173090.2); c.1782+2153A>G (NM_024344.2); c.1638+2153A>G (NM_173087.2); c.-82+975A>G (NM_173089.2); short protein forms K596R, K84R.
Identifiers: ClinVar variation 651266 (VCV000651266.9), dbSNP rs747461807, ClinGen allele CA7511534.
Genomic context (GRCh38, chr15:42,405,930, plus strand): 5'-TTCTGAGAACTTACTTTTCACTTATTCTGCATTTACTGTTTCCTTTTCTTATGCAGAAAA[A>G]GAAAAAAACCAAGGTAGGTGTGTGGGTAGAGAGCATGAAGTGTGTGTACTCATGCATATG-3'
Protein context (NP_000061.1, residues 586-606): NTISVDRPVK[Lys596Arg]KKTKPIIFVS

ClinVar aggregate classification (germline): Uncertain significance. Review status: criteria provided, multiple submitters, no conflicts (2 of 4 stars). 5 submissions from 5 submitters: Uncertain significance (4). 1 of the submissions does not count toward it. Last evaluated 2025-08-21.

Conditions:
Autosomal recessive limb-girdle muscular dystrophy type 2A (LGMDR1). Also called: Limb-girdle muscular dystrophy, type 2A; Muscular dystrophy, limb-girdle, type 2A, Amish; LEYDEN-MOEBIUS MUSCULAR DYSTROPHY; MUSCULAR DYSTROPHY, PELVOFEMORAL; Calpainopathy. Identifiers: Orphanet 267, MedGen C1869123, MONDO:0009675, OMIM 253600. Disease mechanism: loss of function.
Muscular dystrophy, limb-girdle, autosomal dominant 4. Also called: Calpain-3-related limb-girdle muscular dystrophy D4; MUSCULAR DYSTROPHY, LIMB-GIRDLE, TYPE 1I. Identifiers: Orphanet 565909, MedGen C4748295, MONDO:0029133, OMIM 618129.
Inborn genetic diseases. Identifiers: MedGen C0950123, MeSH D030342.

Allele frequency attached by ClinVar (database versions not stated): ExAC 0.00002; gnomAD exomes 0.00003; TOPMed 0.00007; gnomAD 0.00009.
gnomAD v4.1: 122 of 1,611,770 alleles (0.0076%); highest among the groups gnomAD compares: Non-Finnish European, 0.0097%; no homozygotes.

Submissions (5):

Labcorp Genetics (formerly Invitae), Labcorp
Classification: Uncertain significance for Autosomal recessive limb-girdle muscular dystrophy type 2A. Last evaluated: 2025-08-21. Review status: criteria provided, single submitter. Criteria: Invitae Variant Classification Sherloc (09022015). Collection method: clinical testing. Allele origin: germline.
Comment: This sequence change replaces lysine, which is basic and polar, with arginine, which is basic and polar, at codon 596 of the CAPN3 protein (p.Lys596Arg). This variant is present in population databases (rs747461807, gnomAD 0.005%). This variant has not been reported in the literature in individuals affected with CAPN3-related conditions. ClinVar contains an entry for this variant (Variation ID: 651266). Invitae Evidence Modeling of protein sequence and biophysical properties (such as structural, functional, and spatial information, amino acid conservation, physicochemical variation, residue mobility, and thermodynamic stability) has been performed for this missense variant. However, the output from this modeling did not meet the statistical confidence thresholds required to predict the impact of this variant on CAPN3 protein function. In summary, the available evidence is currently insufficient to determine the role of this variant in disease. Therefore, it has been classified as a Variant of Uncertain Significance.

Revvity Omics, Revvity
Classification: Uncertain significance. Last evaluated: 2025-05-14. Review status: criteria provided, single submitter. Criteria: ACMG Guidelines, 2015. Collection method: clinical testing. Allele origin: germline.

Ambry Genetics
Classification: Uncertain significance for Inborn genetic diseases. Last evaluated: 2022-04-07. Review status: criteria provided, single submitter. Criteria: Ambry Variant Classification Scheme 2023. Collection method: clinical testing. Allele origin: germline.

Fulgent Genetics
Classification: Uncertain significance for Autosomal recessive limb-girdle muscular dystrophy type 2A; Muscular dystrophy, limb-girdle, autosomal dominant 4. Last evaluated: 2021-12-15. Review status: criteria provided, single submitter. Criteria: ACMG Guidelines, 2015. Collection method: clinical testing. Allele origin: unknown.

Natera, Inc.
Classification: Uncertain significance for Limb-girdle muscular dystrophy type 2A. Last evaluated: 2020-09-16. Review status: no assertion criteria provided. Collection method: clinical testing. Allele origin: germline. Not counted in ClinVar's aggregate classification.